The following is an entry in ClinVar:

NC_000005.9:g.(?_80149939)_(80171681_?)del

Gene: MSH3 (mutS homolog 3; plus strand). Cytogenetic location: 5q14.1.
Variant type: Deletion.
Identifiers: ClinVar variation 1374113 (VCV001374113.5).

ClinVar aggregate classification (germline): Uncertain significance (1 of 4 stars; one submission).

Submission:

Labcorp Genetics (formerly Invitae), Labcorp
Classification: Uncertain significance. Last evaluated: 2022-10-21. Review status: criteria provided, single submitter. Criteria: Invitae Variant Classification Sherloc (09022015). Collection method: clinical testing. Allele origin: germline.
Comment: Experimental studies and prediction algorithms are not available or were not evaluated, and the functional significance of this variant is currently unknown. In summary, the available evidence is currently insufficient to determine the role of this variant in disease. Therefore, it has been classified as a Variant of Uncertain Significance. This variant has not been reported in the literature in individuals affected with MSH3-related conditions. This variant is a gross deletion of the genomic region encompassing exon(s) 21-24 of the MSH3 gene, which includes the termination codon. This deletion extends beyond the assayed region for this gene and therefore may encompass additional genes. While this deletion is not anticipated to lead to nonsense mediated decay, it is expected to alter mRNA translation or result in a truncated protein product.